The following is an entry in ClinVar:

NM_004260.4(RECQL4):c.32T>C (p.Leu11Pro)

Genes: RECQL4 (RecQ like helicase 4; minus strand), LOC130001411 (ATAC-STARR-seq lymphoblastoid silent region 19699; plus strand). Cytogenetic location: 8q24.3.
Variant type: single nucleotide variant.
Coding change: c.32T>C on transcript NM_004260.4 (MANE Select); coding-DNA position 32, T replaced by C.
Protein change: p.Leu11Pro; replaces leucine 11 with proline.
Molecular consequence: missense variant. On other transcripts: 5 prime UTR variant (17), non-coding transcript variant (3).
Genome position (GRCh38, 1-based): chr8:144,517,753, A>G on the plus strand (T>C on the coding strand, the complement: RECQL4 is on the minus strand). VCF-style: chr8-144517753-A-G. GRCh37 (hg19) VCF-style: chr8-145743137-A-G.
Other names: c.32T>C, p.Leu11Pro (NM_001413017.1, NM_001413018.1, NM_001413019.1 and 6 more transcripts); c.-754T>C (NM_001413021.1); c.-1105T>C (NM_001413022.1, NM_001413023.1, NM_001413037.1 and 2 more transcripts); c.-1002T>C (NM_001413024.1); c.-1102T>C (NM_001413027.1); c.-830T>C (NM_001413028.1); c.-1167T>C (NM_001413030.1, NM_001413031.1, NM_001413041.1); c.-999T>C (NM_001413032.1); and 4 more; short protein forms L11P.
Identifiers: ClinVar variation 3944367 (VCV003944367.1).

ClinVar aggregate classification (germline): Uncertain significance (1 of 4 stars; one submission).

Conditions:
Inborn genetic diseases. Identifiers: MedGen C0950123, MeSH D030342.

Submission:

Ambry Genetics
Classification: Uncertain significance for Inborn genetic diseases. Last evaluated: 2025-06-14. Review status: criteria provided, single submitter. Criteria: Ambry Variant Classification Scheme 2023. Collection method: clinical testing. Allele origin: germline.
Comment: The p.L11P variant (also known as c.32T>C), located in coding exon 1 of the RECQL4 gene, results from a T to C substitution at nucleotide position 32. The leucine at codon 11 is replaced by proline, an amino acid with similar properties. This amino acid position is conserved. In addition, the in silico prediction for this alteration is inconclusive. Based on the available evidence, the clinical significance of this variant remains unclear.